The following is an entry in ClinVar:

NM_006060.6(IKZF1):c.863T>G (p.Leu288Arg)

Gene: IKZF1 (IKAROS family zinc finger 1; plus strand). Cytogenetic location: 7p12.2.
Variant type: single nucleotide variant.
Coding change: c.863T>G on transcript NM_006060.6 (MANE Select); coding-DNA position 863, T replaced by G.
Protein change: p.Leu288Arg; replaces leucine 288 with arginine.
Molecular consequence: missense variant.
Genome position (GRCh38, 1-based): chr7:50,399,930, T>G. VCF-style: chr7-50399930-T-G. GRCh37 (hg19) VCF-style: chr7-50467628-T-G.
Other names: c.737T>G, p.Leu246Arg (NM_001220765.3, NM_001291837.2); c.572T>G, p.Leu191Arg (NM_001220767.2); c.602T>G, p.Leu201Arg (NM_001220768.2, NM_001291838.2); c.446T>G, p.Leu149Arg (NM_001220770.2); c.434T>G, p.Leu145Arg (NM_001220771.2, NM_001291841.1); c.476T>G, p.Leu159Arg (NM_001291839.2); c.173T>G, p.Leu58Arg (NM_001291840.1); c.404T>G, p.Leu135Arg (NM_001291842.1); and 3 more; short protein forms L159R, L58R, L145R, L149R, L191R, L246R, L308R, L135R.
Identifiers: ClinVar variation 2921139 (VCV002921139.1), dbSNP rs1283047391, ClinGen allele CA367523908.
Genomic context (GRCh38, chr7:50,399,930, plus strand): 5'-GGTTCCGGAGGTGGCCGCGCCCCACTCACTGTCGCCTGCTTTCCACAGGGGACAAGGGCC[T>G]GTCCGACACGCCCTACGACAGCAGCGCCAGCTACGAGAAGGAGAACGAAATGATGAAGTC-3'
Protein context (NP_006051.1, residues 278-298): MPQKFLGDKG[Leu288Arg]SDTPYDSSAS

ClinVar aggregate classification (germline): Uncertain significance (1 of 4 stars; one submission).

Conditions:
Pancytopenia due to IKZF1 mutations. Also called: Immunodeficiency, common variable, 13. Identifiers: Orphanet 317473, MedGen C4225173, MONDO:0014810, OMIM 616873.

Submission:

ARUP Laboratories, Molecular Genetics and Genomics, ARUP Laboratories
Classification: Uncertain significance for Pancytopenia due to IKZF1 mutations. Last evaluated: 2023-11-03. Review status: criteria provided, single submitter. Criteria: ARUP Molecular Germline Variant Investigation Process 2024. Collection method: clinical testing. Allele origin: germline.
Comment: The IKZF1 c.863T>G; p.Leu288Arg variant, to our knowledge, is not reported in the medical literature or gene specific databases. This variant is also absent from the Genome Aggregation Database, indicating it is not a common polymorphism. Computational analyses predict that this variant is neutral (REVEL: 0.127). Due to limited information, the clinical significance of this variant is uncertain at this time.